The following is an entry in ClinVar:

ClinVar aggregate classification (germline): Uncertain significance (1 of 4 stars; one submission).

Conditions:
Cardiovascular phenotype. Identifiers: MedGen CN230736.

Submission:

Ambry Genetics
Classification: Uncertain significance for Cardiovascular phenotype. Last evaluated: 2026-03-29. Review status: criteria provided, single submitter. Criteria: Ambry Variant Classification Scheme 2023. Collection method: clinical testing. Allele origin: germline.
Comment: The p.N533K variant (also known as c.1599T>G), located in coding exon 6 of the RBM20 gene, results from a T to G substitution at nucleotide position 1599. The asparagine at codon 533 is replaced by lysine, an amino acid with similar properties. This amino acid position is conserved. In addition, this alteration is predicted to be tolerated by in silico analysis. Based on the available evidence, the clinical significance of this variant remains unclear.

NM_001134363.3(RBM20):c.1599T>G (p.Asn533Lys)

Gene: RBM20 (RNA binding motif protein 20; plus strand). Cytogenetic location: 10q25.2.
Variant type: single nucleotide variant.
Coding change: c.1599T>G on transcript NM_001134363.3 (MANE Select); coding-DNA position 1599, T replaced by G.
Protein change: p.Asn533Lys; replaces asparagine 533 with lysine.
Molecular consequence: missense variant.
Genome position (GRCh38, 1-based): chr10:110,797,579, T>G. VCF-style: chr10-110797579-T-G. GRCh37 (hg19) VCF-style: chr10-112557337-T-G.
Other names: short protein forms N533K.
Identifiers: ClinVar variation 4863063 (VCV004863063.1).